The following is an entry in ClinVar:

NM_001122752.2(SERPINI1):c.340G>T (p.Val114Leu)

Gene: SERPINI1 (serpin family I member 1; plus strand). Cytogenetic location: 3q26.1.
Variant type: single nucleotide variant.
Coding change: c.340G>T on transcript NM_001122752.2 (MANE Select); coding-DNA position 340, G replaced by T.
Protein change: p.Val114Leu; replaces valine 114 with leucine.
Molecular consequence: missense variant.
Genome position (GRCh38, 1-based): chr3:167,790,461, G>T. VCF-style: chr3-167790461-G-T. GRCh37 (hg19) VCF-style: chr3-167508249-G-T.
Other names: c.340G>T (NM_005025.4); c.340G>T, p.Val114Leu (NM_005025.5); short protein forms V114L.
Identifiers: ClinVar variation 1036523 (VCV001036523.9), dbSNP rs61735308, ClinGen allele CA2694785.

ClinVar aggregate classification (germline): Uncertain significance. Review status: criteria provided, multiple submitters, no conflicts (2 of 4 stars). 2 submissions from 2 submitters: Uncertain significance (2). Last evaluated 2025-07-08.

Conditions:
Inborn genetic diseases. Identifiers: MedGen C0950123, MeSH D030342.
Familial encephalopathy with neuroserpin inclusion bodies. Also called: ENCEPHALOPATHY, FAMILIAL, WITH COLLINS BODIES. Identifiers: Orphanet 85110, MedGen C1858680, MONDO:0011412, OMIM 604218.

Allele frequency attached by ClinVar (database versions not stated): TOPMed 0.00004.
gnomAD v4.1: 90 of 1,613,890 alleles (0.0056%); highest among the groups gnomAD compares: Non-Finnish European, 0.0076%; no homozygotes.

Submissions (2):

Ambry Genetics
Classification: Uncertain significance for Inborn genetic diseases. Last evaluated: 2025-07-08. Review status: criteria provided, single submitter. Criteria: Ambry Variant Classification Scheme 2023. Collection method: clinical testing. Allele origin: germline.

Labcorp Genetics (formerly Invitae), Labcorp
Classification: Uncertain significance for Familial encephalopathy with neuroserpin inclusion bodies. Last evaluated: 2024-05-21. Review status: criteria provided, single submitter. Criteria: Invitae Variant Classification Sherloc (09022015). Collection method: clinical testing. Allele origin: germline.
Comment: This sequence change replaces valine, which is neutral and non-polar, with leucine, which is neutral and non-polar, at codon 114 of the SERPINI1 protein (p.Val114Leu). This variant is present in population databases (rs61735308, gnomAD 0.002%). This variant has not been reported in the literature in individuals affected with SERPINI1-related conditions. ClinVar contains an entry for this variant (Variation ID: 1036523). Advanced modeling of protein sequence and biophysical properties (such as structural, functional, and spatial information, amino acid conservation, physicochemical variation, residue mobility, and thermodynamic stability) performed at Invitae indicates that this missense variant is not expected to disrupt SERPINI1 protein function with a negative predictive value of 80%. In summary, the available evidence is currently insufficient to determine the role of this variant in disease. Therefore, it has been classified as a Variant of Uncertain Significance.